The following is an entry in ClinVar:

NM_002524.5(NRAS):c.38G>A (p.Gly13Asp)

Gene: NRAS (NRAS proto-oncogene, GTPase; minus strand). Cytogenetic location: 1p13.2.
Variant type: single nucleotide variant.
Coding change: c.38G>A on transcript NM_002524.5 (MANE Select); coding-DNA position 38, G replaced by A.
Protein change: p.Gly13Asp; replaces glycine 13 with aspartic acid.
Molecular consequence: missense variant.
Genome position (GRCh38, 1-based): chr1:114,716,123, C>T on the plus strand (G>A on the coding strand, the complement: NRAS is on the minus strand). VCF-style: chr1-114716123-C-T. GRCh37 (hg19) VCF-style: chr1-115258744-C-T.
Other names: c.38G>A, p.Gly13Asp (LRG_92t1); short protein forms G13D.
Identifiers: ClinVar variation 13901 (VCV000013901.23), dbSNP rs121434596, ClinGen allele CA123620.

ClinVar aggregate classification (germline): Pathogenic/Likely pathogenic. Review status: criteria provided, multiple submitters, no conflicts (2 of 4 stars). 14 submissions from 12 submitters: Pathogenic (6); Likely pathogenic (4). 4 of the submissions do not count toward it. Last evaluated 2026-05-05.
ClinVar aggregate classification (somatic clinical impact): Tier I - Strong. Review status: criteria provided, single submitter (1 of 4 stars). 3 submissions from 1 submitter. Last evaluated 2025-10-23.
ClinVar aggregate classification (oncogenicity): Oncogenic (1 of 4 stars; one submission).

Conditions:
NRAS-related disorder. Also called: NRAS-related condition.
RAS-ASSOCIATED AUTOIMMUNE LEUKOPROLIFERATIVE DISORDER 1, SOMATIC.
Acute megakaryoblastic leukemia in down syndrome. Identifiers: Orphanet 99887, MedGen C5925108, MONDO:0020526.
RASopathy. Also called: rasopathies; Noonan spectrum disorder. Identifiers: Orphanet 536391, MedGen C5555857, MONDO:0021060.
Noonan syndrome 6 (NS6). Also called: NRAS-Related Noonan Syndrome. Identifiers: Orphanet 648, MedGen C2750732, MONDO:0013186, OMIM 613224.
Autoimmune lymphoproliferative syndrome type 4. Also called: AUTOIMMUNE LYMPHOPROLIFERATIVE SYNDROME, TYPE IV; RAS-associated autoimmune leukoproliferative disorder. Identifiers: Orphanet 268114, MedGen C2674723, MONDO:0013767, OMIM 614470.
Juvenile myelomonocytic leukemia (JMML). Also called: LEUKEMIA, JUVENILE MYELOMONOCYTIC, SOMATIC. Identifiers: Orphanet 86834, MedGen C0349639, MONDO:0011908, OMIM 607785, HP:0012209.
Acute myeloid leukemia with NPM1 somatic mutations. Identifiers: Orphanet 402026, MedGen C4706386, MONDO:0018437.
Diffuse pediatric-type high-grade glioma, H3-wildtype and IDH-wildtype. Identifiers: MedGen C5669918, MONDO:0858939.
Embryonal rhabdomyosarcoma (ERMS). Also called: Botryoid rhabdomyosarcoma (type of ERMS); Spindle cell rhabdomyosarcomas (type of ERMS). Identifiers: Orphanet 99757, MedGen C0206656, MONDO:0009993, HP:0006743.
Neoplasm. Also called: Neoplasms; Neoplasm (disease); tumor. Identifiers: MedGen C0027651, MeSH D009369, MONDO:0005070, HP:0002664.

Allele frequency attached by ClinVar (database versions not stated): ExAC 0.00001.
gnomAD v4.1: 1 of 1,614,022 alleles (0.000062%); highest among the groups gnomAD compares: Non-Finnish European, 0.000085%; no homozygotes.

Submissions 1 to 7 of 21:

Institute of Human Genetics, University of Leipzig Medical Center
Classification: Pathogenic for Noonan syndrome 6. Last evaluated: 2026-05-05. Review status: criteria provided, single submitter. Criteria: ACMG Guidelines, 2015. Collection method: clinical testing. Allele origin: unknown. Inheritance: Autosomal dominant inheritance. Affected: yes.
Comment: Criteria applied: PS1,PM5_STR,PS2_MOD,PM1,PS4_SUP

Institute for Genomic Medicine (IGM) Clinical Laboratory, Nationwide Children's Hospital
Classification: Tier I - Strong for Diffuse pediatric-type high-grade glioma, H3-wildtype and IDH-wildtype. Assertion type: diagnostic. Clinical significance: supports diagnosis. Last evaluated: 2025-10-23. Review status: criteria provided, single submitter. Criteria: AMP/ASCO/CAP Guidelines, 2017. Collection method: clinical testing. Allele origin: somatic. Affected: yes.
Comment: Variant has Tier I (strong) clinical significance as a diagnostic inclusion criterion in diffuse pediatric-type high-grade glioma, H3-wildtype and IDH-wildtype, based on the following evidence: 1) Documented in one or more cancer databases (e.g., St. Jude Pecan, COSMIC, CIViC, OncoKB). 2) Appears in one or more well-established professional guidelines (e.g., World Health Organization [WHO]; National Comprehensive Cancer Network [NCCN]) as providing diagnostic, prognostic, or therapeutic information. 3) Information in the literature supports potential biologic effect of variant (PMIDs: 23487764, 31681616). 4) Diagnostic for a specific tumor type/classification based on well-powered studies with expert-level consensus (Evidence Level B; PMIDs: 24705254, 28966033, 34525976, 39273062).

Institute for Genomic Medicine (IGM) Clinical Laboratory, Nationwide Children's Hospital
Classification: Tier I - Strong for Acute myeloid leukemia with NPM1 somatic mutations. Assertion type: diagnostic. Clinical significance: supports diagnosis. Last evaluated: 2025-08-18. Review status: criteria provided, single submitter. Criteria: AMP/ASCO/CAP Guidelines, 2017. Collection method: clinical testing. Allele origin: somatic. Affected: yes.
Comment: Variant has Tier I (strong) clinical significance as a diagnostic inclusion criterion in acute myeloid leukemia with NPM1 somatic mutations, based on the following evidence: 1) Documented in one or more cancer databases (e.g., St. Jude Pecan, COSMIC, CIViC, OncoKB). 2) Appears in one or more well-established professional guidelines (e.g., World Health Organization [WHO]; National Comprehensive Cancer Network [NCCN]) as providing diagnostic, prognostic, or therapeutic information. 3) Information in the literature supports potential biologic effect of variant (PMIDs: 23487764, 26037647). 4) Diagnostic for a specific tumor type/classification based on well-powered studies with expert-level consensus (Evidence Level B; PMIDs: 27276561, 27288520, 23634996, 28152414, 38212634).

Center for Genomic Medicine, Rigshospitalet, Copenhagen University Hospital
Classification: Oncogenic for Neoplasm. Last evaluated: 2025-03-04. Review status: criteria provided, single submitter. Criteria: ClinGen/CGC/VICC Guidelines for Oncogenicity, 2022. Collection method: clinical testing. Allele origin: somatic. Affected: yes.

Rady Children's Institute for Genomic Medicine, Rady Children's Hospital San Diego
Classification: Likely pathogenic for NRAS-related disorders. Last evaluated: 2025-01-23. Review status: criteria provided, single submitter. Criteria: ACMG Guidelines, 2015. Collection method: clinical testing. Allele origin: germline. Affected: yes.
Comment: The c.38G>A (p.Gly13Asp) variant affects a highly conserved amino acid and is predicted by multiple in silico tools to have a deleterious effect on protein function. This variant has been previously reported as a heterozygous, apparently germline, change in a patient with juvenile myelomonocytic leukemia (JMML) and other features of Noonan syndrome, and in a patient with autoimmune lymphoproliferative syndrome (ALPS) (PMID: 19775298, 17517660). The variant has also been reported as a somatic change in association with ALPS and leukemia (PMID: 24803665, 31412876, 2989702, 17332249). Functional studies conducted in patient lymphocytes demonstrate that this variant leads to increased activity of NRAS protein (PMID: 17517660, 37872685). The c.38G>A (p.Gly13Asp) variant is present in the latest version of the gnomAD population database at an allele frequency of 0.00006% (1/1614022) and thus is presumed to be rare. Based on the available evidence, c.38G>A (p.Gly13Asp) is classified as Likely Pathogenic.

Labcorp Genetics (formerly Invitae), Labcorp
Classification: Likely pathogenic for RASopathy. Last evaluated: 2024-11-24. Review status: criteria provided, single submitter. Criteria: Invitae Variant Classification Sherloc (09022015). Collection method: clinical testing. Allele origin: germline.
Comment: This sequence change replaces glycine, which is neutral and non-polar, with aspartic acid, which is acidic and polar, at codon 13 of the NRAS protein (p.Gly13Asp). This variant is present in population databases (rs121434596, gnomAD 0.01%). This missense change has been observed in individuals with NRAS-related conditions (PMID: 17517660, 19775298, 31412876; internal data). ClinVar contains an entry for this variant (Variation ID: 13901). Invitae Evidence Modeling of protein sequence and biophysical properties (such as structural, functional, and spatial information, amino acid conservation, physicochemical variation, residue mobility, and thermodynamic stability) indicates that this missense variant is expected to disrupt NRAS protein function with a positive predictive value of 95%. Experimental studies have shown that this missense change affects NRAS function (PMID: 17517660). In summary, the currently available evidence indicates that the variant is pathogenic, but additional data are needed to prove that conclusively. Therefore, this variant has been classified as Likely Pathogenic.

Victorian Clinical Genetics Services, Murdoch Childrens Research Institute
Classification: Pathogenic for Noonan syndrome 6. Last evaluated: 2024-10-10. Review status: criteria provided, single submitter. Criteria: ACMG Guidelines, 2015. Collection method: clinical testing. Allele origin: germline. Inheritance: Autosomal dominant inheritance. Affected: yes.
Comment: Based on the classification scheme VCGS_Germline_v1.3.4, this variant is classified as Pathogenic. Following criteria are met: 0101 - Gain of function is a known mechanism of disease in this gene and is associated with NRAS-related conditions (OMIM). (I) 0107 - This gene is associated with autosomal dominant disease. (I) 0115 - Variants in this gene are known to have variable expressivity. Noonan syndrome, caused by germline variants in the NRAS gene, have variable expressivity (GeneReviews). (I) 0200 - Variant is predicted to result in a missense amino acid change from glycine to aspartic acid. (I) 0254 - This variant is low level mosaic in DNA extracted from snap frozen skin biopsy. (I) 0302 - Variant is present in gnomAD <0.001 for a dominant condition (v2: 1 heterozygote, 0 homozygotes). (SP) 0309 - An alternative amino acid change at the same position has been observed in gnomAD (v2: 1 heterozygote, 0 homozygotes). (I) 0502 - Missense variant with conflicting in silico predictions and uninformative conservation. (I) 0602 - Variant is located in a hotspot region or cluster of pathogenic variants (DECIPHER). (SP) 0801 - This variant has very strong previous evidence of pathogenicity in unrelated individuals. It is one of the variants in this gene most commonly associated with juvenile myelomonocytic leukaemia (JMML) and it has also been reported in somatic tissue associated with other cancers (ClinVar, PMIDs: 17332249, 18375819, 36130886). In addition, it has been regarded as pathogenic in germline tissue (ClinVar) and has been reported de novo in one individual with JMML and features of Noonan syndrome (PMID: 19775298) and in another individual with autoimmune lymphoproliferative syndrome without features of Noonan syndrome (PMID: 17517660). (SP) 1208 - Inheritance information for this variant is not currently available in this individual. (I) Legend: (SP) - Supporting pathogenic, (I) - Information, (SB) - Supporting benign